The following is an entry in ClinVar:

NM_002335.4(LRP5):c.3010A>G (p.Lys1004Glu)

Gene: LRP5 (LDL receptor related protein 5; plus strand). Cytogenetic location: 11q13.2.
Variant type: single nucleotide variant.
Coding change: c.3010A>G on transcript NM_002335.4 (MANE Select); coding-DNA position 3010, A replaced by G.
Protein change: p.Lys1004Glu; replaces lysine 1004 with glutamic acid.
Molecular consequence: missense variant.
Genome position (GRCh38, 1-based): chr11:68,416,510, A>G. VCF-style: chr11-68416510-A-G. GRCh37 (hg19) VCF-style: chr11-68183978-A-G.
Other names: c.1267A>G, p.Lys423Glu (NM_001291902.2); short protein forms K1004E, K423E.
Identifiers: ClinVar variation 2065224 (VCV002065224.6), dbSNP rs2098662629, ClinGen allele CA381620021.

ClinVar aggregate classification (germline): Uncertain significance. Review status: criteria provided, multiple submitters, no conflicts (2 of 4 stars). 2 submissions from 2 submitters: Uncertain significance (2). Last evaluated 2025-01-30.

Allele frequency attached by ClinVar (database versions not stated): gnomAD 0.00001; TOPMed below 0.00001.
gnomAD v4.1: 1 of 1,613,788 alleles (0.000062%); highest among the groups gnomAD compares: Non-Finnish European, 0.000085%; no homozygotes.

Submissions (2):

Dasa
Classification: Uncertain significance. Last evaluated: 2025-01-30. Review status: criteria provided, single submitter. Criteria: DASA Assertion Criteria. Collection method: clinical testing. Allele origin: germline.
Comment: NM_002335.4(LRP5):c.3010A>G (p.Lys1004Glu) is a missense variant that results in the substitution of lysine with glutamic acid. This variant is rare in population databases. Computational prediction algorithms are consistent with a benign effect. The currently available literature and clinical evidence are not sufficient to establish a definitive association between this variant and the reported condition. Therefore, this variant is classified as a variant of uncertain significance.

Labcorp Genetics (formerly Invitae), Labcorp
Classification: Uncertain significance. Last evaluated: 2021-12-29. Review status: criteria provided, single submitter. Criteria: Invitae Variant Classification Sherloc (09022015). Collection method: clinical testing. Allele origin: germline.
Comment: In summary, the available evidence is currently insufficient to determine the role of this variant in disease. Therefore, it has been classified as a Variant of Uncertain Significance. Advanced modeling of protein sequence and biophysical properties (such as structural, functional, and spatial information, amino acid conservation, physicochemical variation, residue mobility, and thermodynamic stability) performed at Invitae indicates that this missense variant is not expected to disrupt LRP5 protein function. This variant has not been reported in the literature in individuals affected with LRP5-related conditions. This variant is not present in population databases (gnomAD no frequency). This sequence change replaces lysine, which is basic and polar, with glutamic acid, which is acidic and polar, at codon 1004 of the LRP5 protein (p.Lys1004Glu).